The following is an entry in ClinVar:

NM_006269.2(RP1):c.5997_6001del (p.Leu2000fs)

Genes: RP1 (RP1 axonemal microtubule associated; plus strand), LOC126860392 (CDK7 strongly-dependent group 2 enhancer GRCh37_chr8:55541319-55542518; plus strand). Cytogenetic location: 8q12.1.
Variant type: Deletion.
Coding change: c.5997_6001del on transcript NM_006269.2 (MANE Select); coding-DNA positions 5997 to 6001, 5 bases deleted (CTTGA; older notation c.5997_6001delCTTGA).
Protein change: p.Leu2000fs; shifts the reading frame from leucine 2000.
Molecular consequence: frameshift variant. On other transcripts: intron variant (1).
Genome position (GRCh38, 1-based): chr8:54,629,879-54,629,883, CTTGA deleted; deleting any 5 consecutive bases within chr8:54,629,875-54,629,883 gives the same sequence; the c. name uses the placement nearest the transcript's 3' end. VCF-style (leftmost placement, unchanged base first): chr8-54629874-TTTGAC-T. GRCh37 (hg19) VCF-style: chr8-55542434-TTTGAC-T.
Other names: c.787+7591_787+7595del (NM_001375654.1); short protein forms L2000fs.
Identifiers: ClinVar variation 4292782 (VCV004292782.1).
Genomic context (GRCh38, chr8:54,629,874, plus strand): 5'-CAAAATCTTATTGATAATGCCATTGGTGATATATTTGATCAGTTTTATTTCAGTAACACA[TTTGAC>T]TTGATGGGTAAAAGAAGAAAACAAAAAAGAATTAACTTCTTGGGGTTAGAGGAAGAAGGT-3'

ClinVar aggregate classification (germline): Uncertain significance (1 of 4 stars; one submission).

Conditions:
Retinitis pigmentosa 1 (RP1). Identifiers: Orphanet 791, MedGen C0220701, MONDO:0008377, OMIM 180100.

Submission:

3billion
Classification: Uncertain significance for Retinitis pigmentosa 1. Last evaluated: 2024-06-28. Review status: criteria provided, single submitter. Criteria: ACMG Guidelines, 2015. Collection method: clinical testing. Allele origin: germline. Affected: yes.
Comment: The variant is not observed in the gnomAD v4.0.0 dataset. Predicted Consequence/Location: Frameshift: predicted to result in a loss or disruption of normal protein function through protein truncation. The predicted truncated protein may be shortened by less than 10%. However, many variants that disrupt this region have been reported in individuals with either autosomal dominant or autosomal recessive retinitis pigmentosa (PMID: 11527933, 19933189, 29425069, 30027431, 33681214). Therefore, this variant is classified as Pathogenic according to the recommendation of ACMG/AMP guideline.